The following is an entry in ClinVar:

NM_000751.3(CHRND):c.461C>T (p.Ser154Phe)

Gene: CHRND (cholinergic receptor nicotinic delta subunit; plus strand). Cytogenetic location: 2q37.1.
Variant type: single nucleotide variant.
Coding change: c.461C>T on transcript NM_000751.3 (MANE Select); coding-DNA position 461, C replaced by T.
Protein change: p.Ser154Phe; replaces serine 154 with phenylalanine.
Molecular consequence: missense variant. On other transcripts: synonymous variant (1).
Genome position (GRCh38, 1-based): chr2:232,528,608, C>T. VCF-style: chr2-232528608-C-T. GRCh37 (hg19) VCF-style: chr2-233393318-C-T.
Other names: c.416C>T, p.Ser139Phe (NM_001256657.2); c.190C>T, p.Leu64= (NM_001311195.2); c.158C>T, p.Ser53Phe (NM_001311196.2); short protein forms S53F, S139F, S154F.
Identifiers: ClinVar variation 1504732 (VCV001504732.6), dbSNP rs2106208649, ClinGen allele CA350998344.

ClinVar aggregate classification (germline): Uncertain significance (1 of 4 stars; one submission).

Conditions:
Lethal multiple pterygium syndrome (LMPS). Identifiers: Orphanet 33108, MedGen C1854678, MONDO:0009668, OMIM 253290.

Submission:

Labcorp Genetics (formerly Invitae), Labcorp
Classification: Uncertain significance for Lethal multiple pterygium syndrome. Last evaluated: 2022-07-06. Review status: criteria provided, single submitter. Criteria: Invitae Variant Classification Sherloc (09022015). Collection method: clinical testing. Allele origin: germline.
Comment: Advanced modeling of protein sequence and biophysical properties (such as structural, functional, and spatial information, amino acid conservation, physicochemical variation, residue mobility, and thermodynamic stability) performed at Invitae indicates that this missense variant is not expected to disrupt CHRND protein function. In summary, the available evidence is currently insufficient to determine the role of this variant in disease. Therefore, it has been classified as a Variant of Uncertain Significance. This variant has not been reported in the literature in individuals affected with CHRND-related conditions. ClinVar contains an entry for this variant (Variation ID: 1504732). This variant is not present in population databases (gnomAD no frequency). This sequence change replaces serine, which is neutral and polar, with phenylalanine, which is neutral and non-polar, at codon 154 of the CHRND protein (p.Ser154Phe).